The following is an entry in ClinVar:

ClinVar aggregate classification (germline): Pathogenic (1 of 4 stars; one submission).

Submission:

Labcorp Genetics (formerly Invitae), Labcorp
Classification: Pathogenic. Last evaluated: 2025-02-06. Review status: criteria provided, single submitter. Criteria: Invitae Variant Classification Sherloc (09022015). Collection method: clinical testing. Allele origin: germline.
Comment: This sequence change creates a premature translational stop signal (p.Trp1418*) in the DUOX2 gene. It is expected to result in an absent or disrupted protein product. Loss-of-function variants in DUOX2 are known to be pathogenic (PMID: 12110737, 18765513, 21565790, 24423310, 24735383). This variant is not present in population databases (gnomAD no frequency). This variant has not been reported in the literature in individuals affected with DUOX2-related conditions. For these reasons, this variant has been classified as Pathogenic.

Literature cited by the submitters: PubMed 12110737; PubMed 18765513; PubMed 21565790; PubMed 24423310; PubMed 24735383.

NM_001363711.2(DUOX2):c.4253G>A (p.Trp1418Ter)

Gene: DUOX2 (dual oxidase 2; minus strand). Cytogenetic location: 15q21.1.
Variant type: single nucleotide variant.
Coding change: c.4253G>A on transcript NM_001363711.2 (MANE Select); coding-DNA position 4253, G replaced by A.
Protein change: p.Trp1418Ter; replaces tryptophan 1418 with a stop codon.
Molecular consequence: nonsense.
Genome position (GRCh38, 1-based): chr15:45,095,078, C>T on the plus strand (G>A on the coding strand, the complement: DUOX2 is on the minus strand). VCF-style: chr15-45095078-C-T. GRCh37 (hg19) VCF-style: chr15-45387276-C-T.
Other names: c.4253G>A, p.Trp1418Ter (NM_014080.5); short protein forms W1418*.
Identifiers: ClinVar variation 4711946 (VCV004711946.1).